The following is an entry in ClinVar:

NM_017433.5(MYO3A):c.3976C>A (p.Leu1326Met)

Gene: MYO3A (myosin IIIA; plus strand). Cytogenetic location: 10p12.1.
Variant type: single nucleotide variant.
Coding change: c.3976C>A on transcript NM_017433.5 (MANE Select); coding-DNA position 3976, C replaced by A.
Protein change: p.Leu1326Met; replaces leucine 1326 with methionine.
Molecular consequence: missense variant.
Genome position (GRCh38, 1-based): chr10:26,174,240, C>A. VCF-style: chr10-26174240-C-A. GRCh37 (hg19) VCF-style: chr10-26463169-C-A.
Other names: short protein forms L1326M.
Identifiers: ClinVar variation 4718452 (VCV004718452.1).

ClinVar aggregate classification (germline): Uncertain significance (1 of 4 stars; one submission).

Submission:

Labcorp Genetics (formerly Invitae), Labcorp
Classification: Uncertain significance. Last evaluated: 2025-04-27. Review status: criteria provided, single submitter. Criteria: Invitae Variant Classification Sherloc (09022015). Collection method: clinical testing. Allele origin: germline.
Comment: This sequence change replaces leucine, which is neutral and non-polar, with methionine, which is neutral and non-polar, at codon 1326 of the MYO3A protein (p.Leu1326Met). This variant is not present in population databases (gnomAD no frequency). This variant has not been reported in the literature in individuals affected with MYO3A-related conditions. An algorithm developed to predict the effect of missense changes on protein structure and function (PolyPhen-2) suggests that this variant is likely to be tolerated. In summary, the available evidence is currently insufficient to determine the role of this variant in disease. Therefore, it has been classified as a Variant of Uncertain Significance.